The following is an entry in ClinVar:

ClinVar aggregate classification (germline): Uncertain significance. Review status: criteria provided, multiple submitters, no conflicts (2 of 4 stars). 3 submissions from 3 submitters: Uncertain significance (3). Last evaluated 2025-12-02.

Conditions:
Inborn genetic diseases. Identifiers: MedGen C0950123, MeSH D030342.
Periodic fever-infantile enterocolitis-autoinflammatory syndrome. Also called: Autoinflammation with infantile enterocolitis. Identifiers: Orphanet 436166, MedGen C4015067, MONDO:0014472, OMIM 616050.
Familial cold autoinflammatory syndrome 4 (FCAS4). Identifiers: Orphanet 47045, Orphanet 576349, MedGen C4015276, MONDO:0014498, OMIM 616115.

Allele frequency attached by ClinVar (database versions not stated): gnomAD exomes below 0.00001 and 0.00002; gnomAD 0.00001; TOPMed below 0.00001.
gnomAD v4.1: 12 of 1,614,036 alleles (0.00074%); highest among the groups gnomAD compares: Non-Finnish European, 0.001%; no homozygotes.

Submissions (3):

Ambry Genetics
Classification: Uncertain significance for Inborn genetic diseases. Last evaluated: 2025-12-02. Review status: criteria provided, single submitter. Criteria: Ambry Variant Classification Scheme 2023. Collection method: clinical testing. Allele origin: germline.

Labcorp Genetics (formerly Invitae), Labcorp
Classification: Uncertain significance for Periodic fever-infantile enterocolitis-autoinflammatory syndrome; Familial cold autoinflammatory syndrome 4. Last evaluated: 2025-02-19. Review status: criteria provided, single submitter. Criteria: Invitae Variant Classification Sherloc (09022015). Collection method: clinical testing. Allele origin: germline.
Comment: This sequence change replaces cysteine, which is neutral and slightly polar, with phenylalanine, which is neutral and non-polar, at codon 191 of the NLRC4 protein (p.Cys191Phe). This variant is present in population databases (no rsID available, gnomAD 0.002%). This variant has not been reported in the literature in individuals affected with NLRC4-related conditions. ClinVar contains an entry for this variant (Variation ID: 649854). Invitae Evidence Modeling of protein sequence and biophysical properties (such as structural, functional, and spatial information, amino acid conservation, physicochemical variation, residue mobility, and thermodynamic stability) indicates that this missense variant is expected to disrupt NLRC4 protein function with a positive predictive value of 80%. In summary, the available evidence is currently insufficient to determine the role of this variant in disease. Therefore, it has been classified as a Variant of Uncertain Significance.

Blueprint Genetics
Classification: Uncertain significance. Last evaluated: 2024-03-14. Review status: criteria provided, single submitter. Criteria: ACMG Guidelines, 2015. Collection method: clinical testing. Allele origin: germline.

NM_001199138.2(NLRC4):c.572G>T (p.Cys191Phe)

Gene: NLRC4 (NLR family CARD domain containing 4; minus strand). Cytogenetic location: 2p22.3.
Variant type: single nucleotide variant.
Coding change: c.572G>T on transcript NM_001199138.2 (MANE Select); coding-DNA position 572, G replaced by T.
Protein change: p.Cys191Phe; replaces cysteine 191 with phenylalanine.
Molecular consequence: missense variant. On other transcripts: intron variant (1).
Genome position (GRCh38, 1-based): chr2:32,251,292, C>A on the plus strand (G>T on the coding strand, the complement: NLRC4 is on the minus strand). VCF-style: chr2-32251292-C-A. GRCh37 (hg19) VCF-style: chr2-32476361-C-A.
Other names: c.572G>T, p.Cys191Phe (NM_001199139.2, NM_021209.5); c.262+1127G>T (NM_001302504.1); short protein forms C191F.
Identifiers: ClinVar variation 649854 (VCV000649854.9), dbSNP rs1184102407, ClinGen allele CA346515506.